The following is an entry in ClinVar:

NM_017654.4(SAMD9):c.2672A>G (p.Asn891Ser)

Gene: SAMD9 (sterile alpha motif domain containing 9; minus strand). Cytogenetic location: 7q21.2.
Variant type: single nucleotide variant.
Coding change: c.2672A>G on transcript NM_017654.4 (MANE Select); coding-DNA position 2672, A replaced by G.
Protein change: p.Asn891Ser; replaces asparagine 891 with serine.
Molecular consequence: missense variant.
Genome position (GRCh38, 1-based): chr7:93,103,426, T>C on the plus strand (A>G on the coding strand, the complement: SAMD9 is on the minus strand). VCF-style: chr7-93103426-T-C. GRCh37 (hg19) VCF-style: chr7-92732739-T-C.
Other names: c.2672A>G, p.Asn891Ser (NM_001193307.2); short protein forms N891S.
Identifiers: ClinVar variation 4827011 (VCV004827011.1).

ClinVar aggregate classification (germline): Uncertain significance (1 of 4 stars; one submission).

Conditions:
Inborn genetic diseases. Identifiers: MedGen C0950123, MeSH D030342.

Submission:

Ambry Genetics
Classification: Uncertain significance for Inborn genetic diseases. Last evaluated: 2026-02-28. Review status: criteria provided, single submitter. Criteria: Ambry Variant Classification Scheme 2023. Collection method: clinical testing. Allele origin: germline.
Comment: The p.N891S variant (also known as c.2672A>G), located in coding exon 1 of the SAMD9 gene, results from an A to G substitution at nucleotide position 2672. The asparagine at codon 891 is replaced by serine, an amino acid with highly similar properties. This amino acid position is conserved. In addition, this alteration is predicted to be tolerated by in silico analysis. Based on the available evidence, the clinical significance of this variant remains unclear.